The following is an entry in ClinVar:

ClinVar aggregate classification (germline): Uncertain significance. Review status: criteria provided, multiple submitters, no conflicts (2 of 4 stars). 5 submissions from 5 submitters: Uncertain significance (5). Last evaluated 2024-12-29.

Conditions:
Abetalipoproteinaemia (ABL). Also called: MTP DEFICIENCY; Abetalipoproteinemia; Abetalipoproteinemia neuropathy; Apolipoprotein B deficiency; Congenital betalipoprotein deficiency syndrome. Identifiers: Orphanet 14, MedGen C0000744, MONDO:0008692, OMIM 200100, HP:0008181.
Inborn genetic diseases. Identifiers: MedGen C0950123, MeSH D030342.

Allele frequency attached by ClinVar (database versions not stated): ExAC 0.00002; gnomAD exomes 0.00002; TOPMed 0.00002; gnomAD 0.00003 and 0.00004; ESP Exome Variant Server 0.00008.
gnomAD v4.1: 49 of 1,614,016 alleles (0.003%); highest among the groups gnomAD compares: Middle Eastern, 0.016%; no homozygotes.

Submissions (5):

Labcorp Genetics (formerly Invitae), Labcorp
Classification: Uncertain significance. Last evaluated: 2024-12-29. Review status: criteria provided, single submitter. Criteria: Invitae Variant Classification Sherloc (09022015). Collection method: clinical testing. Allele origin: germline.
Comment: This sequence change replaces threonine, which is neutral and polar, with methionine, which is neutral and non-polar, at codon 37 of the MTTP protein (p.Thr37Met). This variant is present in population databases (rs371307089, gnomAD 0.006%). This variant has not been reported in the literature in individuals affected with MTTP-related conditions. ClinVar contains an entry for this variant (Variation ID: 901697). Invitae Evidence Modeling of protein sequence and biophysical properties (such as structural, functional, and spatial information, amino acid conservation, physicochemical variation, residue mobility, and thermodynamic stability) indicates that this missense variant is not expected to disrupt MTTP protein function with a negative predictive value of 80%. In summary, the available evidence is currently insufficient to determine the role of this variant in disease. Therefore, it has been classified as a Variant of Uncertain Significance.

Mayo Clinic Laboratories, Mayo Clinic
Classification: Uncertain significance. Last evaluated: 2024-05-06. Review status: criteria provided, single submitter. Criteria: ACMG Guidelines, 2015. Collection method: clinical testing. Allele origin: germline. Observed: 1 variant allele.
Comment: BP4, PM2

Ambry Genetics
Classification: Uncertain significance for Inborn genetic diseases. Last evaluated: 2022-12-01. Review status: criteria provided, single submitter. Criteria: Ambry Variant Classification Scheme 2023. Collection method: clinical testing. Allele origin: germline.

Genome-Nilou Lab
Classification: Uncertain significance for Abetalipoproteinaemia. Last evaluated: 2021-07-14. Review status: criteria provided, single submitter. Criteria: ACMG Guidelines, 2015. Collection method: clinical testing. Allele origin: germline. Affected: no.

Illumina Laboratory Services, Illumina
Classification: Uncertain significance for Abetalipoproteinaemia. Last evaluated: 2018-01-13. Review status: criteria provided, single submitter. Criteria: ICSL Variant Classification Criteria 13 December 2019. Collection method: clinical testing. Allele origin: germline.

NM_001386140.1(MTTP):c.110C>T (p.Thr37Met)

Gene: MTTP (microsomal triglyceride transfer protein; plus strand). Cytogenetic location: 4q23.
Variant type: single nucleotide variant.
Coding change: c.110C>T on transcript NM_001386140.1 (MANE Select); coding-DNA position 110, C replaced by T.
Protein change: p.Thr37Met; replaces threonine 37 with methionine.
Molecular consequence: missense variant. On other transcripts: 5 prime UTR variant (1).
Genome position (GRCh38, 1-based): chr4:99,581,953, C>T. VCF-style: chr4-99581953-C-T. GRCh37 (hg19) VCF-style: chr4-100503110-C-T.
Other names: p.Thr37Met; c.110C>T, p.Thr37Met (NM_000253.4); c.-140C>T (NM_001300785.2); c.110C>T (NM_000253.3); short protein forms T37M.
Identifiers: ClinVar variation 901697 (VCV000901697.12), dbSNP rs371307089, ClinGen allele CA3021743.